The following is an entry in ClinVar:

ClinVar aggregate classification (germline): Uncertain significance (1 of 4 stars; one submission).

Submission:

Ambry Genetics
Classification: Uncertain significance. Last evaluated: 2022-02-21. Review status: criteria provided, single submitter. Criteria: Ambry Variant Classification Scheme 2023. Collection method: clinical testing. Allele origin: germline.
Comment: The c.993_996dupGGTT variant, located in coding exon 8 of the RECQL gene, results from a duplication of GGTT at nucleotide position 993, causing a translational frameshift with a predicted alternate stop codon (p.S333Gfs*2). This alteration is expected to result in loss of function by premature protein truncation or nonsense-mediated mRNA decay. The evidence for this gene-disease relationship is limited; therefore, the clinical significance of this alteration is unclear.

Literature cited by the submitters: PubMed 32471518.

NM_002907.4(RECQL):c.993_996dup (p.Ser333delinsGlyTer)

Gene: RECQL (RecQ like helicase; minus strand). Cytogenetic location: 12p12.1.
Variant type: Duplication.
Coding change: c.993_996dup on transcript NM_002907.4 (MANE Select); coding-DNA positions 993 to 996, 4 bases duplicated (GGTT; older notation c.993_996dupGGTT).
Protein change: p.Ser333delinsGlyTer.
Molecular consequence: nonsense.
Genome position (GRCh38, 1-based): chr12:21,475,778-21,475,781, AACC duplicated on the plus strand (GGTT on the coding strand, the reverse complement: RECQL is on the minus strand). VCF-style (leftmost placement, unchanged base first): chr12-21475777-T-TAACC. GRCh37 (hg19) VCF-style: chr12-21628711-T-TAACC.
Other names: c.993_996dup, p.Ser333delinsGlyTer (NM_032941.3).
Identifiers: ClinVar variation 1768646 (VCV001768646.2), dbSNP rs2540346974, ClinGen allele CA2580085302.